The following is an entry in ClinVar:

NM_032043.3(BRIP1):c.1102C>A (p.Pro368Thr)

Gene: BRIP1 (BRCA1 interacting DNA helicase 1; minus strand). Cytogenetic location: 17q23.2.
Variant type: single nucleotide variant.
Coding change: c.1102C>A on transcript NM_032043.3 (MANE Select); coding-DNA position 1102, C replaced by A.
Protein change: p.Pro368Thr; replaces proline 368 with threonine.
Molecular consequence: missense variant.
Genome position (GRCh38, 1-based): chr17:61,801,291, G>T on the plus strand (C>A on the coding strand, the complement: BRIP1 is on the minus strand). VCF-style: chr17-61801291-G-T. GRCh37 (hg19) VCF-style: chr17-59878652-G-T.
Other names: short protein forms P368T.
Identifiers: ClinVar variation 1792753 (VCV001792753.2), dbSNP rs1555607669, ClinGen allele CA400483927.

ClinVar aggregate classification (germline): Uncertain significance (1 of 4 stars; one submission).

Conditions:
Hereditary cancer-predisposing syndrome. Also called: Tumor predisposition; Hereditary Cancer Syndrome; Neoplastic Syndromes, Hereditary; Hereditary neoplastic syndrome. Identifiers: Orphanet 140162, MedGen C0027672, MeSH D009386, MONDO:0015356.

Submission:

Ambry Genetics
Classification: Uncertain significance for Hereditary cancer-predisposing syndrome. Last evaluated: 2021-10-29. Review status: criteria provided, single submitter. Criteria: Ambry Variant Classification Scheme 2023. Collection method: clinical testing. Allele origin: germline.
Comment: The p.P368T variant (also known as c.1102C>A), located in coding exon 7 of the BRIP1 gene, results from a C to A substitution at nucleotide position 1102. The proline at codon 368 is replaced by threonine, an amino acid with highly similar properties. This amino acid position is conserved. In addition, this alteration is predicted to be deleterious by in silico analysis. Since supporting evidence is limited at this time, the clinical significance of this alteration remains unclear.